The following is an entry in ClinVar:

ClinVar aggregate classification (germline): Uncertain significance (1 of 4 stars; one submission).

Allele frequency attached by ClinVar (database versions not stated): gnomAD exomes below 0.00001.
gnomAD v4.1: 1 of 1,614,092 alleles (0.000062%); highest among the groups gnomAD compares: Non-Finnish European, 0.000085%; no homozygotes.

Submission:

Labcorp Genetics (formerly Invitae), Labcorp
Classification: Uncertain significance. Last evaluated: 2023-07-17. Review status: criteria provided, single submitter. Criteria: Invitae Variant Classification Sherloc (09022015). Collection method: clinical testing. Allele origin: germline.
Comment: In summary, the available evidence is currently insufficient to determine the role of this variant in disease. Therefore, it has been classified as a Variant of Uncertain Significance. Advanced modeling of protein sequence and biophysical properties (such as structural, functional, and spatial information, amino acid conservation, physicochemical variation, residue mobility, and thermodynamic stability) performed at Invitae indicates that this missense variant is expected to disrupt SETBP1 protein function. This variant has not been reported in the literature in individuals affected with SETBP1-related conditions. The frequency data for this variant in the population databases is considered unreliable, as metrics indicate poor data quality at this position in the gnomAD database. This sequence change replaces glutamine, which is neutral and polar, with histidine, which is basic and polar, at codon 881 of the SETBP1 protein (p.Gln881His).

NM_015559.3(SETBP1):c.2643A>T (p.Gln881His)

Gene: SETBP1 (SET binding protein 1; plus strand). Cytogenetic location: 18q12.3.
Variant type: single nucleotide variant.
Coding change: c.2643A>T on transcript NM_015559.3 (MANE Select); coding-DNA position 2643, A replaced by T.
Protein change: p.Gln881His; replaces glutamine 881 with histidine.
Molecular consequence: missense variant.
Genome position (GRCh38, 1-based): chr18:44,951,983, A>T. VCF-style: chr18-44951983-A-T. GRCh37 (hg19) VCF-style: chr18-42531948-A-T.
Other names: c.2643A>T, p.Gln881His (NM_001379141.1, NM_001379142.1, NM_001410862.1); short protein forms Q881H.
Identifiers: ClinVar variation 2744552 (VCV002744552.3), dbSNP rs1264493722, ClinGen allele CA402321896.
Genomic context (GRCh38, chr18:44,951,983, plus strand): 5'-TGAGGAGACGATCCCCAGCGACAGCGGCATTGGGACAGACAACAACAGCACTTCTGACCA[A>T]GCGGAGAAGAGCTCAGAATCCCGAAGGAGGTACTCTTTTGATTTCTGCTCCCTGGACAAC-3'
Protein context (NP_056374.2, residues 871-891): IGTDNNSTSD[Gln881His]AEKSSESRRR